The following is an entry in ClinVar:

NM_000284.4(PDHA1):c.1021G>C (p.Glu341Gln)

Gene: PDHA1 (pyruvate dehydrogenase E1 subunit alpha 1; plus strand). Cytogenetic location: Xp22.12.
Variant type: single nucleotide variant.
Coding change: c.1021G>C on transcript NM_000284.4 (MANE Select); coding-DNA position 1021, G replaced by C.
Protein change: p.Glu341Gln; replaces glutamic acid 341 with glutamine.
Molecular consequence: missense variant.
Genome position (GRCh38, 1-based): chrX:19,359,501, G>C. VCF-style: chrX-19359501-G-C. GRCh37 (hg19) VCF-style: chrX-19377619-G-C.
Other names: c.1135G>C, p.Glu379Gln (NM_001173454.2); c.1042G>C, p.Glu348Gln (NM_001173455.2); c.928G>C, p.Glu310Gln (NM_001173456.2); short protein forms E310Q, E348Q, E341Q, E379Q.
Identifiers: ClinVar variation 1980667 (VCV001980667.1), dbSNP rs755090271, ClinGen allele CA10363202.

ClinVar aggregate classification (germline): Uncertain significance (1 of 4 stars; one submission).

Conditions:
Pyruvate dehydrogenase E1-alpha deficiency (PDHAD). Also called: ATAXIA, INTERMITTENT, WITH PYRUVATE DEHYDROGENASE DEFICIENCY; ATAXIA WITH LACTIC ACIDOSIS I; ATAXIA, INTERMITTENT, WITH ABNORMAL PYRUVATE METABOLISM; Ataxia, intermittent, with pyruvate dehydrogenase, or decarboxylase, deficiency. Identifiers: Orphanet 79243, MedGen C1839413, MONDO:0010717, OMIM 312170.

Allele frequency attached by ClinVar (database versions not stated): TOPMed 0.00001.
gnomAD v4.1: 2 of 1,209,309 alleles (0.00017%); highest among the groups gnomAD compares: Admixed American, 0.0044%; no homozygotes.

Submission:

Labcorp Genetics (formerly Invitae), Labcorp
Classification: Uncertain significance for Pyruvate dehydrogenase E1-alpha deficiency. Last evaluated: 2022-08-17. Review status: criteria provided, single submitter. Criteria: Invitae Variant Classification Sherloc (09022015). Collection method: clinical testing. Allele origin: germline.
Comment: This sequence change replaces glutamic acid, which is acidic and polar, with glutamine, which is neutral and polar, at codon 341 of the PDHA1 protein (p.Glu341Gln). This variant is present in population databases (rs755090271, gnomAD 0.004%). This variant has not been reported in the literature in individuals affected with PDHA1-related conditions. Algorithms developed to predict the effect of missense changes on protein structure and function (SIFT, PolyPhen-2, Align-GVGD) all suggest that this variant is likely to be tolerated. In summary, the available evidence is currently insufficient to determine the role of this variant in disease. Therefore, it has been classified as a Variant of Uncertain Significance.